The following is an entry in ClinVar:

NM_001365536.1(SCN9A):c.377+5C>A

Gene: SCN9A (sodium voltage-gated channel alpha subunit 9; minus strand). Cytogenetic location: 2q24.3.
Variant type: single nucleotide variant.
Coding change: c.377+5C>A on transcript NM_001365536.1 (MANE Select); 5 bases into the intron after coding-DNA position 377, C replaced by A.
Molecular consequence: intron variant.
Genome position (GRCh38, 1-based): chr2:166,306,951, G>T on the plus strand (C>A on the coding strand, the complement: SCN9A is on the minus strand). VCF-style: chr2-166306951-G-T. GRCh37 (hg19) VCF-style: chr2-167163461-G-T.
Other names: c.377+5C>A (NM_002977.4).
Identifiers: ClinVar variation 2939325 (VCV002939325.3), dbSNP rs200972952, ClinGen allele CA1944814.

ClinVar aggregate classification (germline): Uncertain significance (1 of 4 stars; one submission).

Conditions:
Neuropathy, hereditary sensory and autonomic, type 2A (HSAN2A). Also called: ACROOSTEOLYSIS, GIACCAI TYPE; ACROOSTEOLYSIS, NEUROGENIC; MORVAN DISEASE; NEUROPATHY, CONGENITAL SENSORY; NEUROPATHY, HEREDITARY SENSORY RADICULAR, AUTOSOMAL RECESSIVE; NEUROPATHY, HEREDITARY SENSORY, TYPE IIA. Identifiers: Orphanet 970, MedGen C2752089, MONDO:0024309, OMIM 201300.
Generalized epilepsy with febrile seizures plus, type 7 (GEFSP7). Also called: GEFS+, TYPE 7. Identifiers: Orphanet 36387, MedGen C2751778, MONDO:0013470, OMIM 613863.

Allele frequency attached by ClinVar (database versions not stated): ExAC 0.00002.

Submission:

Labcorp Genetics (formerly Invitae), Labcorp
Classification: Uncertain significance for Neuropathy, hereditary sensory and autonomic, type 2A; Generalized epilepsy with febrile seizures plus, type 7. Last evaluated: 2022-12-14. Review status: criteria provided, single submitter. Criteria: Invitae Variant Classification Sherloc (09022015). Collection method: clinical testing. Allele origin: germline.
Comment: This sequence change falls in intron 3 of the SCN9A gene. It does not directly change the encoded amino acid sequence of the SCN9A protein. It affects a nucleotide within the consensus splice site. This variant is present in population databases (rs200972952, gnomAD 0.006%). This variant has been observed in individual(s) with clinical features of SCN9A-related conditions (Invitae). Variants that disrupt the consensus splice site are a relatively common cause of aberrant splicing (PMID: 17576681, 9536098). Algorithms developed to predict the effect of sequence changes on RNA splicing suggest that this variant may disrupt the consensus splice site. In summary, the available evidence is currently insufficient to determine the role of this variant in disease. Therefore, it has been classified as a Variant of Uncertain Significance.

Literature cited by the submitters: PubMed 17576681; PubMed 9536098.